The following is an entry in ClinVar:

NM_178170.3(NEK8):c.2066C>T (p.Pro689Leu)

Gene: NEK8 (NIMA related kinase 8; plus strand). Cytogenetic location: 17q11.2.
Variant type: single nucleotide variant.
Coding change: c.2066C>T on transcript NM_178170.3 (MANE Select); coding-DNA position 2066, C replaced by T.
Protein change: p.Pro689Leu; replaces proline 689 with leucine.
Molecular consequence: missense variant.
Genome position (GRCh38, 1-based): chr17:28,741,974, C>T. VCF-style: chr17-28741974-C-T. GRCh37 (hg19) VCF-style: chr17-27068992-C-T.
Other names: c.2066C>T (NM_178170.2); short protein forms P689L.
Identifiers: ClinVar variation 1366788 (VCV001366788.9), dbSNP rs777112980, ClinGen allele CA8467653.
Genomic context (GRCh38, chr17:28,741,974, plus strand): 5'-CACTGCCCTCAGAAGCTGCAAGGGTTTCTCTTCGGTACCCTCCAGCGGTCACAGATGAGC[C>T]GGTCCCCCCCTGAGGCACCCGGATTCACCTCTGGACCACCCTGATATTGCTTCTCCTCTG-3'
Protein context (NP_835464.1, residues 679-692): LLAVRSVTDE[Pro689Leu]VPP

ClinVar aggregate classification (germline): Uncertain significance. Review status: criteria provided, multiple submitters, no conflicts (2 of 4 stars). 4 submissions from 4 submitters: Uncertain significance (4). Last evaluated 2026-02-24.

Conditions:
Inborn genetic diseases. Identifiers: MedGen C0950123, MeSH D030342.
Nephronophthisis 9 (NPHP9). Identifiers: Orphanet 655, MedGen C3151188, MONDO:0013444, OMIM 613824.
NEK8-related disorder. Also called: NEK8-related condition.

Allele frequency attached by ClinVar (database versions not stated): gnomAD 0.00004 and 0.00005; TOPMed 0.00006; ExAC 0.00008; gnomAD exomes 0.00010 and 0.00013.
gnomAD v4.1: 191 of 1,613,948 alleles (0.012%); highest among the groups gnomAD compares: South Asian, 0.066%; 1 homozygote.

Submissions (4):

PreventionGenetics, part of Exact Sciences
Classification: Uncertain significance for NEK8-related condition. Last evaluated: 2026-02-24. Review status: criteria provided, single submitter. Criteria: ACMG Guidelines, 2015. Collection method: clinical testing. Allele origin: germline.
Comment: The NEK8 c.2066C>T variant is predicted to result in the amino acid substitution p.Pro689Leu. To our knowledge, this variant has not been reported in the literature. This variant is reported in 0.052% of alleles in individuals of South Asian descent in gnomAD, which is likely too common for an undocumented disease-causing variant. Although we suspect that this variant may be benign, at this time, the clinical significance of this variant is uncertain due to the absence of conclusive functional and genetic evidence.

Labcorp Genetics (formerly Invitae), Labcorp
Classification: Uncertain significance for Nephronophthisis 9. Last evaluated: 2025-10-29. Review status: criteria provided, single submitter. Criteria: Invitae Variant Classification Sherloc (09022015). Collection method: clinical testing. Allele origin: germline.
Comment: This sequence change replaces proline, which is neutral and non-polar, with leucine, which is neutral and non-polar, at codon 689 of the NEK8 protein (p.Pro689Leu). This variant is present in population databases (rs777112980, gnomAD 0.05%). This variant has not been reported in the literature in individuals affected with NEK8-related conditions. ClinVar contains an entry for this variant (Variation ID: 1366788). An algorithm developed to predict the effect of missense changes on protein structure and function (PolyPhen-2) suggests that this variant is likely to be tolerated. In summary, the available evidence is currently insufficient to determine the role of this variant in disease. Therefore, it has been classified as a Variant of Uncertain Significance.

Ambry Genetics
Classification: Uncertain significance for Inborn genetic diseases. Last evaluated: 2025-01-08. Review status: criteria provided, single submitter. Criteria: Ambry Variant Classification Scheme 2023. Collection method: clinical testing. Allele origin: germline.

Blueprint Genetics
Classification: Uncertain significance. Last evaluated: 2024-11-13. Review status: criteria provided, single submitter. Criteria: ACMG Guidelines, 2015. Collection method: clinical testing. Allele origin: germline.